The following is an entry in ClinVar:

ClinVar aggregate classification (germline): Uncertain significance (1 of 4 stars; one submission).

Conditions:
Primary ciliary dyskinesia. Also called: Ciliary dyskinesia. Identifiers: Orphanet 244, MedGen C0008780, MONDO:0016575, HP:0012265.

gnomAD v4.1: 1 of 1,613,930 alleles (0.000062%); highest among the groups gnomAD compares: Middle Eastern, 0.017%; no homozygotes.

Submission:

Labcorp Genetics (formerly Invitae), Labcorp
Classification: Uncertain significance for Primary ciliary dyskinesia. Last evaluated: 2021-08-28. Review status: criteria provided, single submitter. Criteria: Invitae Variant Classification Sherloc (09022015). Collection method: clinical testing. Allele origin: germline.
Comment: This sequence change replaces leucine with phenylalanine at codon 4056 of the DNAH11 protein (p.Leu4056Phe). The leucine residue is highly conserved and there is a small physicochemical difference between leucine and phenylalanine. This variant is not present in population databases (ExAC no frequency). This variant has not been reported in the literature in individuals affected with DNAH11-related conditions. Algorithms developed to predict the effect of missense changes on protein structure and function are either unavailable or do not agree on the potential impact of this missense change (SIFT: "Deleterious"; PolyPhen-2: "Benign"; Align-GVGD: "Class C0"). In summary, the available evidence is currently insufficient to determine the role of this variant in disease. Therefore, it has been classified as a Variant of Uncertain Significance.

NM_001277115.2(DNAH11):c.12168G>C (p.Leu4056Phe)

Gene: DNAH11 (dynein axonemal heavy chain 11; plus strand). Cytogenetic location: 7p15.3.
Variant type: single nucleotide variant.
Coding change: c.12168G>C on transcript NM_001277115.2 (MANE Select); coding-DNA position 12168, G replaced by C.
Protein change: p.Leu4056Phe; replaces leucine 4056 with phenylalanine.
Molecular consequence: missense variant.
Genome position (GRCh38, 1-based): chr7:21,873,474, G>C. VCF-style: chr7-21873474-G-C. GRCh37 (hg19) VCF-style: chr7-21913092-G-C.
Other names: short protein forms L4056F.
Identifiers: ClinVar variation 957165 (VCV000957165.7), dbSNP rs1783577185, ClinGen allele CA366963365.